The following is an entry in ClinVar:

ClinVar aggregate classification (germline): Pathogenic. Review status: criteria provided, multiple submitters, no conflicts (2 of 4 stars). 3 submissions from 3 submitters: Pathogenic (2). 1 of the submissions does not count toward it. Last evaluated 2024-04-03.

Conditions:
Xeroderma pigmentosum variant type. Also called: POLH-Related Xeroderma Pigmentosum; PHOTOSENSITIVITY WITH DEFECTIVE DNA SYNTHESIS; XERODERMA PIGMENTOSUM WITH NORMAL DNA REPAIR RATES. Identifiers: Orphanet 90342, MedGen C1848410, MONDO:0010214, OMIM 278750.

Allele frequency attached by ClinVar (database versions not stated): gnomAD 0.00001; gnomAD exomes 0.00001.
gnomAD v4.1: 9 of 1,613,314 alleles (0.00056%); highest among the groups gnomAD compares: East Asian, 0.0067%; no homozygotes.

Submissions (3):

KCCC/NGS Laboratory, Kuwait Cancer Control Center
Classification: Pathogenic for Xeroderma pigmentosum variant type. Last evaluated: 2024-04-03. Review status: criteria provided, single submitter. Criteria: ACMG Guidelines, 2015. Collection method: clinical testing. Allele origin: germline. Inheritance: Autosomal recessive inheritance. Affected: no. Observed: 1 heterozygote.
Comment: This sequence change creates a premature translational stop signal (p.Arg167*) in the POLH gene. It is expected to result in an absent or disrupted protein product. Loss-of-function variants in POLH are known to be pathogenic (PMID: 11773631, 24130121, 25256075). This variant is not present in population databases (gnomAD no frequency). This premature translational stop signal has been observed in individual(s) with xeroderma pigmentosum (PMID: 27982466). This variant is also known as p.Arg43*. Algorithms developed to predict the effect of sequence changes on RNA splicing suggest that this variant may disrupt the consensus splice site.

Labcorp Genetics (formerly Invitae), Labcorp
Classification: Pathogenic. Last evaluated: 2024-02-05. Review status: criteria provided, single submitter. Criteria: Invitae Variant Classification Sherloc (09022015). Collection method: clinical testing. Allele origin: germline.
Comment: This sequence change creates a premature translational stop signal (p.Arg167*) in the POLH gene. It is expected to result in an absent or disrupted protein product. Loss-of-function variants in POLH are known to be pathogenic (PMID: 11773631, 24130121, 25256075). This variant is not present in population databases (gnomAD no frequency). This premature translational stop signal has been observed in individual(s) with xeroderma pigmentosum (PMID: 27982466). This variant is also known as p.Arg43*. Algorithms developed to predict the effect of sequence changes on RNA splicing suggest that this variant may disrupt the consensus splice site. For these reasons, this variant has been classified as Pathogenic.

Human Molecular Lab, Hazara University
Classification: Pathogenic for Xeroderma pigmentosum variant type. Last evaluated: 2025-02-02. Review status: no assertion criteria provided. Collection method: research. Allele origin: inherited. Inheritance: Autosomal recessive inheritance. Affected: yes. Observed: 1 variant allele, 1 homozygote. Not counted in ClinVar's aggregate classification.
Comment: The variant c.C499T:p.R167X of thePOLH gene causes Xeroderma pigmentosum, which has previously been reported in families with an autosomal recessive mode of inheritance. In those families, the variant segregated with the disease, including both affected and unaffected members.

Literature cited by the submitters: PubMed 11773631 (cited by Labcorp Genetics (formerly Invitae), Labcorp); PubMed 24130121 (cited by Labcorp Genetics (formerly Invitae), Labcorp); PubMed 25256075 (cited by Labcorp Genetics (formerly Invitae), Labcorp); PubMed 27982466 (cited by Labcorp Genetics (formerly Invitae), Labcorp).

NM_006502.3(POLH):c.499C>T (p.Arg167Ter)

Gene: POLH (DNA polymerase eta; plus strand). Cytogenetic location: 6p21.1.
Variant type: single nucleotide variant.
Coding change: c.499C>T on transcript NM_006502.3 (MANE Select); coding-DNA position 499, C replaced by T.
Protein change: p.Arg167Ter; replaces arginine 167 with a stop codon.
Molecular consequence: nonsense.
Genome position (GRCh38, 1-based): chr6:43,597,704, C>T. VCF-style: chr6-43597704-C-T. GRCh37 (hg19) VCF-style: chr6-43565441-C-T.
Other names: p.R167X; c.127C>T, p.Arg43Ter (NM_001291969.2); c.499C>T, p.Arg167Ter (NM_001291970.2); short protein forms R167*, R43*.
Identifiers: ClinVar variation 2734868 (VCV002734868.6), dbSNP rs1396889047, ClinGen allele CA364280217.
Genomic context (GRCh38, chr6:43,597,704, plus strand): 5'-TTAAATAAATAATTTTTTAAATGTCTAAATGTGAGTTCTTAATTCATTTCAGAGGGGATG[C>T]GAAAACAAGGCTTATTTCAATGGCTCGATTCTCTTCAGATTGATAACCTCACCTCTCCAG-3'